The following is an entry in ClinVar:

NM_021625.5(TRPV4):c.328T>C (p.Tyr110His)

Gene: TRPV4 (transient receptor potential cation channel subfamily V member 4; minus strand). Cytogenetic location: 12q24.11.
Variant type: single nucleotide variant.
Coding change: c.328T>C on transcript NM_021625.5 (MANE Select); coding-DNA position 328, T replaced by C.
Protein change: p.Tyr110His; replaces tyrosine 110 with histidine.
Molecular consequence: missense variant.
Genome position (GRCh38, 1-based): chr12:109,814,469, A>G on the plus strand (T>C on the coding strand, the complement: TRPV4 is on the minus strand). VCF-style: chr12-109814469-A-G. GRCh37 (hg19) VCF-style: chr12-110252274-A-G.
Other names: c.328T>C, p.Tyr110His (NM_001177428.2, NM_001177433.2, NM_147204.3); c.226T>C, p.Tyr76His (NM_001177431.2); short protein forms Y110H, Y76H.
Identifiers: ClinVar variation 1318675 (VCV001318675.3), dbSNP rs2136659313, ClinGen allele CA386659956.
Genomic context (GRCh38, chr12:109,814,469, plus strand): 5'-ACTCTATGATCTTCTTCCTCCACCTCTTGTTGTCACTGGAGTGGTGACGATAGGTGCCGT[A>G]GTCAAACAGTGAGTCCATGGGTGCTTTCTTGGGCCCAGGCACCACCGAGGACTCATATAG-3'
Protein context (NP_067638.3, residues 100-120): KKAPMDSLFD[Tyr110His]GTYRHHSSDN

ClinVar aggregate classification (germline): Uncertain significance. Review status: criteria provided, multiple submitters, no conflicts (2 of 4 stars). 2 submissions from 2 submitters: Uncertain significance (2). Last evaluated 2025-02-10.

Conditions:
Charcot-Marie-Tooth disease axonal type 2C (HMSN2C). Also called: CHARCOT-MARIE-TOOTH DISEASE, AXONAL, AUTOSOMAL DOMINANT, TYPE 2C; Charcot-Marie-Tooth Neuropathy Type 2C; Charcot-Marie-Tooth Disease Type 2, TRPV4-Related (CMT2C). Identifiers: Orphanet 99937, MedGen C1853710, MONDO:0011633, OMIM 606071.

Submissions (2):

Labcorp Genetics (formerly Invitae), Labcorp
Classification: Uncertain significance for Charcot-Marie-Tooth disease axonal type 2C. Last evaluated: 2025-02-10. Review status: criteria provided, single submitter. Criteria: Invitae Variant Classification Sherloc (09022015). Collection method: clinical testing. Allele origin: germline.
Comment: This sequence change replaces tyrosine, which is neutral and polar, with histidine, which is basic and polar, at codon 110 of the TRPV4 protein (p.Tyr110His). This variant is not present in population databases (gnomAD no frequency). This variant has not been reported in the literature in individuals affected with TRPV4-related conditions. ClinVar contains an entry for this variant (Variation ID: 1318675). Invitae Evidence Modeling of protein sequence and biophysical properties (such as structural, functional, and spatial information, amino acid conservation, physicochemical variation, residue mobility, and thermodynamic stability) has been performed for this missense variant. However, the output from this modeling did not meet the statistical confidence thresholds required to predict the impact of this variant on TRPV4 protein function. In summary, the available evidence is currently insufficient to determine the role of this variant in disease. Therefore, it has been classified as a Variant of Uncertain Significance.

GeneDx
Classification: Uncertain significance. Last evaluated: 2019-03-01. Review status: criteria provided, single submitter. Criteria: GeneDx Variant Classification Process June 2021. Collection method: clinical testing. Allele origin: germline. Affected: yes.
Comment: Not observed in large population cohorts (Lek et al., 2016); In silico analysis, which includes protein predictors and evolutionary conservation, supports that this variant does not alter protein structure/function; Has not been previously published as pathogenic or benign to our knowledge